The following is an entry in ClinVar:

NM_001242896.3(DEPDC5):c.1217+1G>A

Gene: DEPDC5 (DEP domain containing 5, GATOR1 subcomplex subunit; plus strand). Cytogenetic location: 22q12.3.
Variant type: single nucleotide variant.
Coding change: c.1217+1G>A on transcript NM_001242896.3 (MANE Select); the canonical splice donor site of the intron after coding-DNA position 1217, G replaced by A.
Molecular consequence: splice donor variant.
Genome position (GRCh38, 1-based): chr22:31,804,916, G>A. VCF-style: chr22-31804916-G-A. GRCh37 (hg19) VCF-style: chr22-32200902-G-A.
Other names: c.1217+1G>A (NM_001363854.2, NM_001242897.2, NM_001364320.2 and 8 more transcripts); c.1133+1G>A (NM_001369902.1, NM_001369901.1).
Identifiers: ClinVar variation 4533394 (VCV004533394.2).

ClinVar aggregate classification (germline): Likely pathogenic. Review status: criteria provided, multiple submitters, no conflicts (2 of 4 stars). 2 submissions from 2 submitters: Likely pathogenic (2). Last evaluated 2026-03-27.

Conditions:
Inborn genetic diseases. Identifiers: MedGen C0950123, MeSH D030342.
Seizure. Also called: Seizures. Identifiers: MedGen C0036572, HP:0001250.

Submissions (2):

Ambry Genetics
Classification: Likely pathogenic for Inborn genetic diseases. Last evaluated: 2026-03-27. Review status: criteria provided, single submitter. Criteria: Ambry Variant Classification Scheme 2023. Collection method: clinical testing. Allele origin: germline.
Comment: The c.1217+1G>A intronic alteration consists of a G to A substitution one nucleotide after exon 17 (coding exon 16) of the DEPDC5 gene. Variants that disrupt the canonical splice site are expected to cause aberrant splicing, resulting in an abnormal protein or a transcript that is subject to nonsense-mediated mRNA decay. This variant was not reported in population-based cohorts in the Genome Aggregation Database (gnomAD). Another variant impacting the same donor site (c.1217+2T>A) has been identified in individual(s) with features consistent with familial focal epilepsy with variable foci (Wang, 2024). This nucleotide position is highly conserved in available vertebrate species. In silico splice site analysis predicts that this alteration will weaken the native splice donor site and will result in the creation or strengthening of a novel splice donor site. Based on the available evidence, this alteration is classified as likely pathogenic.

Cytogénomique, Hospices Civils de Lyon
Classification: Likely pathogenic for Seizure. Last evaluated: 2025-11-10. Review status: criteria provided, single submitter. Criteria: ACMG Guidelines, 2015. Collection method: clinical testing. Allele origin: unknown. Affected: yes.

Literature cited by the submitters: PubMed 38974383 (cited by Ambry Genetics).